The following is an entry in ClinVar:

ClinVar aggregate classification (germline): Pathogenic/Likely pathogenic. Review status: criteria provided, multiple submitters, no conflicts (2 of 4 stars). 3 submissions from 3 submitters: Pathogenic (2); Likely pathogenic (1). Last evaluated 2025-06-07.

Conditions:
Congenital adrenal hyperplasia due to cytochrome P450 oxidoreductase deficiency. Also called: DISORDERED STEROIDOGENESIS DUE TO POR DEFICIENCY. Identifiers: Orphanet 95699, MedGen C1860042, MONDO:0013310, OMIM 613571.
Congenital adrenal hyperplasia. Identifiers: Orphanet 418, MedGen C0001627, MONDO:0018479, HP:0008258.
Antley-Bixler syndrome with genital anomalies and disordered steroidogenesis (ABS1). Also called: POR Deficiency. Identifiers: Orphanet 63269, MedGen C3150099, MONDO:0008726, OMIM 201750.

Allele frequency attached by ClinVar (database versions not stated): ExAC 0.00001; gnomAD exomes 0.00002.
gnomAD v4.1: 27 of 1,612,188 alleles (0.0017%); highest among the groups gnomAD compares: Admixed American, 0.01%; no homozygotes.

Submissions (3):

Labcorp Genetics (formerly Invitae), Labcorp
Classification: Pathogenic for Congenital adrenal hyperplasia due to cytochrome P450 oxidoreductase deficiency. Last evaluated: 2025-06-07. Review status: criteria provided, single submitter. Criteria: Invitae Variant Classification Sherloc (09022015). Collection method: clinical testing. Allele origin: germline.
Comment: This sequence change creates a premature translational stop signal (p.Arg616*) in the POR gene. It is expected to result in an absent or disrupted protein product. Loss-of-function variants in POR are known to be pathogenic (PMID: 14758361, 20732302, 21741353). This variant is present in population databases (rs781946801, gnomAD 0.01%). This premature translational stop signal has been observed in individual(s) with POR-related conditions (PMID: 15793702). ClinVar contains an entry for this variant (Variation ID: 1454425). For these reasons, this variant has been classified as Pathogenic.

Fulgent Genetics
Classification: Likely pathogenic for Antley-Bixler syndrome with genital anomalies and disordered steroidogenesis; Congenital adrenal hyperplasia due to cytochrome P450 oxidoreductase deficiency. Last evaluated: 2024-06-10. Review status: criteria provided, single submitter. Criteria: ACMG Guidelines, 2015. Collection method: clinical testing. Allele origin: germline.

Women's Health and Genetics/Laboratory Corporation of America, LabCorp
Classification: Pathogenic for Congenital adrenal hyperplasia. Last evaluated: 2023-03-24. Review status: criteria provided, single submitter. Criteria: LabCorp Variant Classification Summary - May 2015. Collection method: clinical testing. Allele origin: germline.
Comment: Variant summary: POR c.1837C>T/p.Arg613X (legacy name: c.1846C>T/p.Arg616X) results in a premature termination codon, predicted to cause a truncation of the encoded protein or absence of the protein due to nonsense mediated decay, which are commonly known mechanisms for disease. The variant allele was found at a frequency of 2e-05 in 247018 control chromosomes. c.1837C>T has been reported in the literature as a biallelic genotype in at-least one individual affected with Congenital Adrenal Hyperplasia (example, PMID: 15793702, 22162478). At least one publication reports experimental evidence evaluating an impact on protein function (example, 15793702). The most pronounced variant effect results in <6% of normal 17-alpha hydroxylase enzyme activity. One clinical diagnostic laboratory has submitted clinical-significance assessments for this variant to ClinVar after 2014 and classified the variant as pathogenic. Based on the evidence outlined above, the variant was classified as pathogenic.

Literature cited by the submitters: PubMed 14758361 (cited by Labcorp Genetics (formerly Invitae), Labcorp); PubMed 20732302 (cited by Labcorp Genetics (formerly Invitae), Labcorp); PubMed 21741353 (cited by Labcorp Genetics (formerly Invitae), Labcorp); PubMed 15793702 (cited by Labcorp Genetics (formerly Invitae), Labcorp and Women's Health and Genetics/Laboratory Corporation of America, LabCorp); PubMed 22162478 (cited by Women's Health and Genetics/Laboratory Corporation of America, LabCorp).

NM_001395413.1(POR):c.1837C>T (p.Arg613Ter)

Gene: POR (cytochrome p450 oxidoreductase; plus strand). Cytogenetic location: 7q11.23.
Variant type: single nucleotide variant.
Coding change: c.1837C>T on transcript NM_001395413.1 (MANE Select); coding-DNA position 1837, C replaced by T.
Protein change: p.Arg613Ter; replaces arginine 613 with a stop codon.
Molecular consequence: nonsense.
Genome position (GRCh38, 1-based): chr7:75,986,189, C>T. VCF-style: chr7-75986189-C-T. GRCh37 (hg19) VCF-style: chr7-75615507-C-T.
Other names: c.1846C>T (NM_000941.2); c.1837C>T, p.Arg613Ter (NM_001367562.3, NM_001382657.2, NM_001382658.3 and 1 more transcripts); c.1891C>T, p.Arg631Ter (NM_001382655.3); c.1687C>T, p.Arg563Ter (NM_001382662.3); short protein forms R563*, R613*, R631*.
Identifiers: ClinVar variation 1454425 (VCV001454425.11), dbSNP rs781946801, ClinGen allele CA4304315.